The following is an entry in ClinVar:

ClinVar aggregate classification (germline): Uncertain significance (1 of 4 stars; one submission).

Conditions:
Gorlin syndrome. Also called: Nevoid Basal Cell Carcinoma Syndrome; Basal cell nevus syndrome. Identifiers: Orphanet 377, MedGen C0004779, MONDO:0007187.

Allele frequency attached by ClinVar (database versions not stated): ExAC 0.00002; gnomAD 0.00002; gnomAD exomes 0.00003 and 0.00008; TOPMed 0.00003.

Submission:

Labcorp Genetics (formerly Invitae), Labcorp
Classification: Uncertain significance for Gorlin syndrome. Last evaluated: 2025-06-04. Review status: criteria provided, single submitter. Criteria: Invitae Variant Classification Sherloc (09022015). Collection method: clinical testing. Allele origin: germline.
Comment: This sequence change creates a premature translational stop signal (p.Gln347*) in the PTCH2 gene. It is expected to result in an absent or disrupted protein product. However, the current clinical and genetic evidence is not sufficient to establish whether loss-of-function variants in PTCH2 cause disease. This variant is present in population databases (rs202104574, gnomAD 0.006%). This variant has not been reported in the literature in individuals affected with PTCH2-related conditions. ClinVar contains an entry for this variant (Variation ID: 856117). In summary, the available evidence is currently insufficient to determine the role of this variant in disease. Therefore, it has been classified as a Variant of Uncertain Significance.

NM_003738.5(PTCH2):c.1039C>T (p.Gln347Ter)

Gene: PTCH2 (patched 2; minus strand). Cytogenetic location: 1p34.1.
Variant type: single nucleotide variant.
Coding change: c.1039C>T on transcript NM_003738.5 (MANE Select); coding-DNA position 1039, C replaced by T.
Protein change: p.Gln347Ter; replaces glutamine 347 with a stop codon.
Molecular consequence: nonsense.
Genome position (GRCh38, 1-based): chr1:44,829,658, G>A on the plus strand (C>T on the coding strand, the complement: PTCH2 is on the minus strand). VCF-style: chr1-44829658-G-A. GRCh37 (hg19) VCF-style: chr1-45295330-G-A.
Other names: c.1039C>T, p.Gln347Ter (NM_001166292.2); short protein forms Q347*.
Identifiers: ClinVar variation 856117 (VCV000856117.7), dbSNP rs202104574, ClinGen allele CA823460.
Genomic context (GRCh38, chr1:44,829,658, plus strand): 5'-CCTTGTCCATACCGACCTGCACAAAGCGCCGCTGCCAGGCTTGTAGCACTGTGCTGGCCT[G>A]CTCCTCACTCCAGCCAATGTCATGTGTCTGATAGTCACCCCGGAAATGCTCGTACAGCTG-3'